The following is an entry in ClinVar:

ClinVar aggregate classification (germline): Uncertain significance (1 of 4 stars; one submission).

Conditions:
Hereditary cancer-predisposing syndrome. Also called: Neoplastic Syndromes, Hereditary; Tumor predisposition; Hereditary neoplastic syndrome; Hereditary Cancer Syndrome. Identifiers: Orphanet 140162, MedGen C0027672, MeSH D009386, MONDO:0015356.

Submission:

Ambry Genetics
Classification: Uncertain significance for Hereditary cancer-predisposing syndrome. Last evaluated: 2024-05-20. Review status: criteria provided, single submitter. Criteria: Ambry Variant Classification Scheme 2023. Collection method: clinical testing. Allele origin: germline.
Comment: The p.I400M variant (also known as c.1200C>G), located in coding exon 9 of the SDHA gene, results from a C to G substitution at nucleotide position 1200. The isoleucine at codon 400 is replaced by methionine, an amino acid with highly similar properties. This amino acid position is conserved. In addition, the in silico prediction for this alteration is inconclusive. Based on the available evidence, the clinical significance of this variant remains unclear.

NM_004168.4(SDHA):c.1200C>G (p.Ile400Met)

Gene: SDHA (succinate dehydrogenase complex flavoprotein subunit A; plus strand). Cytogenetic location: 5p15.33.
Variant type: single nucleotide variant.
Coding change: c.1200C>G on transcript NM_004168.4 (MANE Select); coding-DNA position 1200, C replaced by G.
Protein change: p.Ile400Met; replaces isoleucine 400 with methionine.
Molecular consequence: missense variant.
Genome position (GRCh38, 1-based): chr5:235,279, C>G. VCF-style: chr5-235279-C-G. GRCh37 (hg19) VCF-style: chr5-235394-C-G.
Other names: c.1056C>G, p.Ile352Met (NM_001294332.2); c.1200C>G, p.Ile400Met (NM_001330758.2); short protein forms I352M, I400M.
Identifiers: ClinVar variation 3316853 (VCV003316853.1).